The following is an entry in ClinVar:

ClinVar aggregate classification (germline): Uncertain significance (1 of 4 stars; one submission).

Conditions:
Cohen syndrome (COH1). Also called: PEPPER SYNDROME; Cutis verticis gyrata, retinitis pigmentosa, and sensorineural deafness. Identifiers: Orphanet 193, MedGen C0265223, MONDO:0008999, OMIM 216550.

Allele frequency attached by ClinVar (database versions not stated): TOPMed below 0.00001; gnomAD 0.00001; gnomAD exomes 0.00001; ExAC 0.00003.
gnomAD v4.1: 21 of 1,613,726 alleles (0.0013%); highest among the groups gnomAD compares: East Asian, 0.027%; no homozygotes.

Submission:

Labcorp Genetics (formerly Invitae), Labcorp
Classification: Uncertain significance for Cohen syndrome. Last evaluated: 2025-08-21. Review status: criteria provided, single submitter. Criteria: Invitae Variant Classification Sherloc (09022015). Collection method: clinical testing. Allele origin: germline.
Comment: This sequence change replaces isoleucine with threonine at codon 1145 of the VPS13B protein (p.Ile1145Thr). The isoleucine residue is moderately conserved and there is a moderate physicochemical difference between isoleucine and threonine. This variant is present in population databases (rs774277345, gnomAD 0.02%). This variant has not been reported in the literature in individuals affected with VPS13B-related conditions. ClinVar contains an entry for this variant (Variation ID: 2155515). Invitae Evidence Modeling of protein sequence and biophysical properties (such as structural, functional, and spatial information, amino acid conservation, physicochemical variation, residue mobility, and thermodynamic stability) indicates that this missense variant is expected to disrupt VPS13B protein function with a positive predictive value of 80%. In summary, the available evidence is currently insufficient to determine the role of this variant in disease. Therefore, it has been classified as a Variant of Uncertain Significance.

NM_152564.5(VPS13B):c.3434T>C (p.Ile1145Thr)

Gene: VPS13B (vacuolar protein sorting 13 homolog B; plus strand). Cytogenetic location: 8q22.2.
Variant type: single nucleotide variant.
Coding change: c.3434T>C on transcript NM_152564.5 (MANE Select); coding-DNA position 3434, T replaced by C.
Protein change: p.Ile1145Thr; replaces isoleucine 1145 with threonine.
Molecular consequence: missense variant.
Genome position (GRCh38, 1-based): chr8:99,442,624, T>C. VCF-style: chr8-99442624-T-C. GRCh37 (hg19) VCF-style: chr8-100454852-T-C.
Other names: c.3434T>C, p.Ile1145Thr (NM_017890.5); short protein forms I1145T.
Identifiers: ClinVar variation 2155515 (VCV002155515.2), dbSNP rs774277345, ClinGen allele CA4823244.